The following is an entry in ClinVar:

ClinVar aggregate classification (germline): Conflicting classifications of pathogenicity. Review status: criteria provided, conflicting classifications (1 of 4 stars). 6 submissions from 6 submitters: Uncertain significance (5); Likely benign (1). Last evaluated 2025-05-23.

Conditions:
Neurofibromatosis, type 1 (NF1). Also called: VON RECKLINGHAUSEN DISEASE; NEUROFIBROMATOSIS, TYPE I, SOMATIC; Peripheral type neurofibromatosis; Neurofibromatosis, type I. Identifiers: Orphanet 636, MedGen C0027831, MONDO:0018975, OMIM 162200. Disease mechanism: loss of function.
Cardiovascular phenotype. Identifiers: MedGen CN230736.
Hereditary cancer-predisposing syndrome. Also called: Hereditary Cancer Syndrome; Hereditary neoplastic syndrome; Tumor predisposition; Neoplastic Syndromes, Hereditary. Identifiers: Orphanet 140162, MedGen C0027672, MeSH D009386, MONDO:0015356.
Juvenile myelomonocytic leukemia (JMML). Also called: LEUKEMIA, JUVENILE MYELOMONOCYTIC, SOMATIC. Identifiers: Orphanet 86834, MedGen C0349639, MONDO:0011908, OMIM 607785, HP:0012209.

Submissions (6):

Labcorp Genetics (formerly Invitae), Labcorp
Classification: Likely benign for Neurofibromatosis, type 1. Last evaluated: 2025-05-23. Review status: criteria provided, single submitter. Criteria: Invitae Variant Classification Sherloc (09022015). Collection method: clinical testing. Allele origin: germline.

Women's Health and Genetics/Laboratory Corporation of America, LabCorp
Classification: Uncertain significance. Last evaluated: 2024-10-07. Review status: criteria provided, single submitter. Criteria: LabCorp Variant Classification Summary - May 2015. Collection method: clinical testing. Allele origin: germline.
Comment: Variant summary: NF1 c.4294G>T (p.Val1432Phe) results in a non-conservative amino acid change located in the Ras GTPase-activating domain (IPR001936) of the encoded protein sequence. Five of five in-silico tools predict a damaging effect of the variant on protein function. The variant was absent in 237610 control chromosomes. The available data on variant occurrences in the general population are insufficient to allow any conclusion about variant significance. To our knowledge, no occurrence of c.4294G>T in individuals affected with Neurofibromatosis Type 1 and no experimental evidence demonstrating its impact on protein function have been reported. ClinVar contains an entry for this variant (Variation ID: 457696). Based on the evidence outlined above, the variant was classified as uncertain significance.

GeneDx
Classification: Uncertain significance. Last evaluated: 2023-12-28. Review status: criteria provided, single submitter. Criteria: GeneDx Variant Classification Process June 2021. Collection method: clinical testing. Allele origin: germline. Affected: yes.
Comment: Not observed at significant frequency in large population cohorts (gnomAD); In silico analysis supports that this missense variant has a deleterious effect on protein structure/function; Has not been previously published as pathogenic or benign to our knowledge; This variant is associated with the following publications: (PMID: 27486981, 25486365, 22807134, 31757376)

Baylor Genetics
Classification: Uncertain significance for Juvenile myelomonocytic leukemia. Last evaluated: 2023-11-02. Review status: criteria provided, single submitter. Criteria: ACMG Guidelines, 2015. Collection method: clinical testing. Allele origin: unknown.

Ambry Genetics
Classification: Uncertain significance for Cardiovascular phenotype; Hereditary cancer-predisposing syndrome. Last evaluated: 2023-09-01. Review status: criteria provided, single submitter. Criteria: Ambry Variant Classification Scheme 2023. Collection method: clinical testing. Allele origin: germline.
Comment: The p.V1432F variant (also known as c.4294G>T), located in coding exon 32 of the NF1 gene, results from a G to T substitution at nucleotide position 4294. The valine at codon 1432 is replaced by phenylalanine, an amino acid with highly similar properties. This amino acid position is highly conserved in available vertebrate species. In addition, this alteration is predicted to be deleterious by in silico analysis. Since supporting evidence is limited at this time, the clinical significance of this alteration remains unclear.

Genome-Nilou Lab
Classification: Uncertain significance for Neurofibromatosis, type 1. Last evaluated: 2022-03-15. Review status: criteria provided, single submitter. Criteria: ACMG Guidelines, 2015. Collection method: clinical testing. Allele origin: germline. Affected: no.

Literature cited by the submitters: PubMed 10678181 (cited by Women's Health and Genetics/Laboratory Corporation of America, LabCorp); PubMed 23460398 (cited by Women's Health and Genetics/Laboratory Corporation of America, LabCorp); PubMed 29872168 (cited by Women's Health and Genetics/Laboratory Corporation of America, LabCorp); PubMed 27069254 (cited by Women's Health and Genetics/Laboratory Corporation of America, LabCorp).

NM_001042492.3(NF1):c.4357G>T (p.Val1453Phe)

Gene: NF1 (neurofibromin 1; plus strand). Cytogenetic location: 17q11.2.
Variant type: single nucleotide variant.
Coding change: c.4357G>T on transcript NM_001042492.3 (MANE Select); coding-DNA position 4357, G replaced by T.
Protein change: p.Val1453Phe; replaces valine 1453 with phenylalanine.
Molecular consequence: missense variant.
Genome position (GRCh38, 1-based): chr17:31,259,056, G>T. VCF-style: chr17-31259056-G-T. GRCh37 (hg19) VCF-style: chr17-29586074-G-T.
Other names: c.4294G>T, p.Val1432Phe (NM_000267.4); short protein forms V1453F, V1432F.
Identifiers: ClinVar variation 457696 (VCV000457696.16), dbSNP rs199474755, ClinGen allele CA398998759.